The following is an entry in ClinVar:

ClinVar aggregate classification (germline): Uncertain significance. Review status: criteria provided, multiple submitters, no conflicts (2 of 4 stars). 2 submissions from 2 submitters: Uncertain significance (2). Last evaluated 2023-07-18.

Conditions:
Hartsfield-Bixler-Demyer syndrome (HRTFDS). Also called: Holoprosencephaly, ectrodactyly, and bilateral cleft lip/palate; Hartsfield syndrome; FGFR1-Related Hartsfield Syndrome. Identifiers: Orphanet 2117, MedGen C1845146, MONDO:0014196, OMIM 615465. Disease mechanism: loss of function.

gnomAD v4.1: 1 of 1,613,864 alleles (0.000062%); highest among the groups gnomAD compares: Non-Finnish European, 0.000085%; no homozygotes.

Submissions (2):

3billion
Classification: Uncertain significance for Hartsfield-Bixler-Demyer syndrome. Last evaluated: 2023-07-18. Review status: criteria provided, single submitter. Criteria: ACMG Guidelines, 2015. Collection method: clinical testing. Allele origin: germline. Affected: yes.
Comment: The variant is not observed in the gnomAD v2.1.1 dataset. Predicted Consequence/Location: Missense variant A different missense change at the same codon (p.Asp129Ala) has been reported to be associated with FGFR1 related disorder (PMID: 15605412). However the evidence of pathogenicity is insufficient at this time. Therefore, this variant is classified as VUS according to the recommendation of ACMG/AMP guideline.

CeGaT Center for Human Genetics Tuebingen
Classification: Uncertain significance. Last evaluated: 2022-07-01. Review status: criteria provided, single submitter. Criteria: CeGaT Center For Human Genetics Tuebingen Variant Classification Criteria Version 2. Collection method: clinical testing. Allele origin: germline. Affected: yes. Observed: 1 variant allele.
Comment: FGFR1: PM2

Literature cited by the submitters: PubMed 15605412 (cited by 3billion).

NM_023110.3(FGFR1):c.386A>G (p.Asp129Gly)

Gene: FGFR1 (fibroblast growth factor receptor 1; minus strand). Cytogenetic location: 8p11.23.
Variant type: single nucleotide variant.
Coding change: c.386A>G on transcript NM_023110.3 (MANE Select); coding-DNA position 386, A replaced by G.
Protein change: p.Asp129Gly; replaces aspartic acid 129 with glycine.
Molecular consequence: missense variant.
Genome position (GRCh38, 1-based): chr8:38,428,408, T>C on the plus strand (A>G on the coding strand, the complement: FGFR1 is on the minus strand). VCF-style: chr8-38428408-T-C. GRCh37 (hg19) VCF-style: chr8-38285926-T-C.
Other names: c.386A>G, p.Asp129Gly (NM_000604.2, NM_001174063.2, NM_001174065.2 and 4 more transcripts); c.362A>G, p.Asp121Gly (NM_001174064.2); c.119A>G, p.Asp40Gly (NM_001174066.2, NM_001354368.2, NM_001354370.2 and 2 more transcripts); c.485A>G, p.Asp162Gly (NM_001174067.2); short protein forms D121G, D129G, D162G, D40G.
Identifiers: ClinVar variation 2658550 (VCV002658550.25), dbSNP rs765615419, ClinGen allele CA370736034.